The following is an entry in ClinVar:

ClinVar aggregate classification (germline): Uncertain significance (1 of 4 stars; one submission).

Submission:

Labcorp Genetics (formerly Invitae), Labcorp
Classification: Uncertain significance. Last evaluated: 2021-10-19. Review status: criteria provided, single submitter. Criteria: Invitae Variant Classification Sherloc (09022015). Collection method: clinical testing. Allele origin: germline.
Comment: This variant has not been reported in the literature in individuals affected with ADGRV1-related conditions. In summary, the available evidence is currently insufficient to determine the role of this variant in disease. Therefore, it has been classified as a Variant of Uncertain Significance. Algorithms developed to predict the effect of missense changes on protein structure and function are either unavailable or do not agree on the potential impact of this missense change (SIFT: "Deleterious"; PolyPhen-2: "Benign"; Align-GVGD: "Class C0"). This variant is not present in population databases (ExAC no frequency). This sequence change replaces isoleucine with leucine at codon 2610 of the ADGRV1 protein (p.Ile2610Leu). The isoleucine residue is highly conserved and there is a small physicochemical difference between isoleucine and leucine.

NM_032119.4(ADGRV1):c.7828A>T (p.Ile2610Leu)

Gene: ADGRV1 (adhesion G protein-coupled receptor V1; plus strand). Cytogenetic location: 5q14.3.
Variant type: single nucleotide variant.
Coding change: c.7828A>T on transcript NM_032119.4 (MANE Select); coding-DNA position 7828, A replaced by T.
Protein change: p.Ile2610Leu; replaces isoleucine 2610 with leucine.
Molecular consequence: missense variant. On other transcripts: non-coding transcript variant (1).
Genome position (GRCh38, 1-based): chr5:90,694,584, A>T. VCF-style: chr5-90694584-A-T. GRCh37 (hg19) VCF-style: chr5-89990401-A-T.
Other names: short protein forms I2610L.
Identifiers: ClinVar variation 1387863 (VCV001387863.6), dbSNP rs2149644386, ClinGen allele CA360381789.